The following is an entry in ClinVar:

NM_002878.4(RAD51D):c.106C>A (p.Leu36Met)

Genes: RAD51L3-RFFL (RAD51L3-RFFL readthrough; minus strand), RAD51D (RAD51 paralog D; minus strand). Cytogenetic location: 17q12.
Variant type: single nucleotide variant.
Coding change: c.106C>A on transcript NM_002878.4 (MANE Select); coding-DNA position 106, C replaced by A.
Protein change: p.Leu36Met; replaces leucine 36 with methionine.
Molecular consequence: missense variant. On other transcripts: non-coding transcript variant (2).
Genome position (GRCh38, 1-based): chr17:35,119,149, G>T on the plus strand (C>A on the coding strand, the complement: RAD51D is on the minus strand). VCF-style: chr17-35119149-G-T. GRCh37 (hg19) VCF-style: chr17-33446168-G-T.
Other names: c.106C>A, p.Leu36Met (NM_001142571.2, NM_133629.3); short protein forms L36M.
Identifiers: ClinVar variation 657593 (VCV000657593.8), dbSNP rs1597877703, ClinGen allele CA399091936.
Genomic context (GRCh38, chr17:35,119,149, plus strand): 5'-AATGTGGAGATCAGGAGCTCACCTTGTAAGACAAGCCACATTTCTGAGCTACCTCTTCCA[G>T]GTCTGCAGAAACCAGGTCCACCACTGAAAACAAAACACGTATAGCGGATTGGCAGAGAGG-3'
Protein context (NP_002869.3, residues 26-46): KTVVDLVSAD[Leu36Met]EEVAQKCGLS

ClinVar aggregate classification (germline): Conflicting classifications of pathogenicity. Review status: criteria provided, conflicting classifications (1 of 4 stars). 3 submissions from 3 submitters: Uncertain significance (2); Likely benign (1). Last evaluated 2025-07-14.

Conditions:
Breast-ovarian cancer, familial, susceptibility to, 4. Identifiers: Orphanet 145, MedGen C3280345, MONDO:0013669, OMIM 614291.
Hereditary cancer-predisposing syndrome. Also called: Hereditary neoplastic syndrome; Neoplastic Syndromes, Hereditary; Hereditary Cancer Syndrome; Tumor predisposition. Identifiers: Orphanet 140162, MedGen C0027672, MeSH D009386, MONDO:0015356.

Submissions (3):

Labcorp Genetics (formerly Invitae), Labcorp
Classification: Uncertain significance for Breast-ovarian cancer, familial, susceptibility to, 4. Last evaluated: 2025-07-14. Review status: criteria provided, single submitter. Criteria: Invitae Variant Classification Sherloc (09022015). Collection method: clinical testing. Allele origin: germline.
Comment: This sequence change replaces leucine, which is neutral and non-polar, with methionine, which is neutral and non-polar, at codon 36 of the RAD51D protein (p.Leu36Met). This variant is not present in population databases (gnomAD no frequency). This variant has not been reported in the literature in individuals affected with RAD51D-related conditions. ClinVar contains an entry for this variant (Variation ID: 657593). An algorithm developed to predict the effect of missense changes on protein structure and function (PolyPhen-2) suggests that this variant is likely to be disruptive. In summary, the available evidence is currently insufficient to determine the role of this variant in disease. Therefore, it has been classified as a Variant of Uncertain Significance.

Ambry Genetics
Classification: Likely benign for Hereditary cancer-predisposing syndrome. Last evaluated: 2024-12-09. Review status: criteria provided, single submitter. Criteria: Ambry Variant Classification Scheme 2023. Collection method: clinical testing. Allele origin: germline.

GeneDx
Classification: Uncertain significance. Last evaluated: 2022-08-11. Review status: criteria provided, single submitter. Criteria: GeneDx Variant Classification Process June 2021. Collection method: clinical testing. Allele origin: germline. Affected: yes.
Comment: Not observed at significant frequency in large population cohorts (gnomAD); In silico analysis supports that this missense variant does not alter protein structure/function; Has not been previously published as pathogenic or benign to our knowledge; This variant is associated with the following publications: (PMID: 21111057)